The following is an entry in ClinVar:

ClinVar aggregate classification (germline): Uncertain significance (1 of 4 stars; one submission).

Conditions:
Werner syndrome (WRN). Identifiers: Orphanet 902, MedGen C0043119, MONDO:0010196, OMIM 277700.

Submission:

Labcorp Genetics (formerly Invitae), Labcorp
Classification: Uncertain significance for Werner syndrome. Last evaluated: 2024-03-21. Review status: criteria provided, single submitter. Criteria: Invitae Variant Classification Sherloc (09022015). Collection method: clinical testing. Allele origin: germline.
Comment: This sequence change replaces alanine, which is neutral and non-polar, with serine, which is neutral and polar, at codon 271 of the WRN protein (p.Ala271Ser). This variant is not present in population databases (gnomAD no frequency). This variant has not been reported in the literature in individuals affected with WRN-related conditions. Algorithms developed to predict the effect of missense changes on protein structure and function output the following: SIFT: "Not Available"; PolyPhen-2: "Benign"; Align-GVGD: "Not Available". The serine amino acid residue is found in multiple mammalian species, which suggests that this missense change does not adversely affect protein function. In summary, the available evidence is currently insufficient to determine the role of this variant in disease. Therefore, it has been classified as a Variant of Uncertain Significance.

NM_000553.6(WRN):c.811G>T (p.Ala271Ser)

Gene: WRN (WRN RecQ like helicase; plus strand). Cytogenetic location: 8p12.
Variant type: single nucleotide variant.
Coding change: c.811G>T on transcript NM_000553.6 (MANE Select); coding-DNA position 811, G replaced by T.
Protein change: p.Ala271Ser; replaces alanine 271 with serine.
Molecular consequence: missense variant.
Genome position (GRCh38, 1-based): chr8:31,076,259, G>T. VCF-style: chr8-31076259-G-T. GRCh37 (hg19) VCF-style: chr8-30933775-G-T.
Other names: short protein forms A271S.
Identifiers: ClinVar variation 3681874 (VCV003681874.2).